The following is an entry in ClinVar:

NM_001009999.3(KDM1A):c.2243T>C (p.Val748Ala)

Gene: KDM1A (lysine demethylase 1A; plus strand). Cytogenetic location: 1p36.12.
Variant type: single nucleotide variant.
Coding change: c.2243T>C on transcript NM_001009999.3 (MANE Select); coding-DNA position 2243, T replaced by C.
Protein change: p.Val748Ala; replaces valine 748 with alanine.
Molecular consequence: missense variant.
Genome position (GRCh38, 1-based): chr1:23,081,518, T>C. VCF-style: chr1-23081518-T-C. GRCh37 (hg19) VCF-style: chr1-23408011-T-C.
Other names: c.2189T>C, p.Val730Ala (NM_001363654.2); c.2249T>C, p.Val750Ala (NM_001410762.1); c.2171T>C, p.Val724Ala (NM_001410763.1, NM_015013.4); short protein forms V748A, V750A, V724A, V730A.
Identifiers: ClinVar variation 4622739 (VCV004622739.1).

ClinVar aggregate classification (germline): Uncertain significance (1 of 4 stars; one submission).

Conditions:
Inborn genetic diseases. Identifiers: MedGen C0950123, MeSH D030342.

gnomAD v4.1: 3 of 1,614,218 alleles (0.00019%); highest among the groups gnomAD compares: Non-Finnish European, 0.00025%; no homozygotes.

Submission:

Ambry Genetics
Classification: Uncertain significance for Inborn genetic diseases. Last evaluated: 2025-12-07. Review status: criteria provided, single submitter. Criteria: Ambry Variant Classification Scheme 2023. Collection method: clinical testing. Allele origin: germline.
Comment: The p.V748A variant (also known as c.2243T>C), located in coding exon 19 of the KDM1A gene, results from a T to C substitution at nucleotide position 2243. The valine at codon 748 is replaced by alanine, an amino acid with similar properties. This amino acid position is conserved. In addition, this alteration is predicted to be deleterious by in silico analysis. Based on the available evidence, the clinical significance of this variant remains unclear.